The following is an entry in ClinVar:

ClinVar aggregate classification (germline): Pathogenic (1 of 4 stars; one submission).

Conditions:
Rubinstein-Taybi syndrome (RSTS). Identifiers: Orphanet 783, MedGen C0035934, MONDO:0019188.

Submission:

Labcorp Genetics (formerly Invitae), Labcorp
Classification: Pathogenic for Rubinstein-Taybi syndrome. Last evaluated: 2021-10-13. Review status: criteria provided, single submitter. Criteria: Invitae Variant Classification Sherloc (09022015). Collection method: clinical testing. Allele origin: germline.
Comment: A gross deletion of the genomic region encompassing the full coding sequence of the CREBBP gene has been identified. The boundaries of this event are unknown as the deletion extends beyond the assayed region for this gene and therefore may encompass additional genes. Isolated whole-gene deletion of CREBBP has been reported to be de novo in the literature in an individual with growth retardation and other developmental abnormalities (PMID: 27257017). In addition, larger copy number events that include this gene have been reported in many individuals with Rubinstein-Taybi syndrome (PMID: 12114483, 17855048, 25805166,¬†10602114).¬†ClinVar contains an entry for a similar variant (Variation ID: 375635). For these reasons, this variant has been classified as Pathogenic. Loss-of-function variants in CREBBP are known to be pathogenic (PMID: 17052327, 18792986).

Literature cited by the submitters: PubMed 27257017; PubMed 12114483; PubMed 17855048; PubMed 25805166; PubMed 17052327; PubMed 18792986.

NC_000016.9:g.(?_3293141)_(3929917_?)del

Genes: NLRC3 (NLR family CARD domain containing 3; minus strand), C16orf90 (chromosome 16 open reading frame 90; minus strand), CREBBP (CREB binding lysine acetyltransferase; minus strand), DNASE1 (deoxyribonuclease 1; plus strand), IFT38 (intraflagellar transport 38; plus strand) and 12 more. Cytogenetic location: 16p13.3.
Variant type: Deletion.
Identifiers: ClinVar variation 1455963 (VCV001455963.4).